The following is an entry in ClinVar:

ClinVar aggregate classification (germline): Uncertain significance (1 of 4 stars; one submission).

Conditions:
Inborn genetic diseases. Identifiers: MedGen C0950123, MeSH D030342.

gnomAD v4.1: 8 of 1,566,656 alleles (0.00051%); highest among the groups gnomAD compares: Admixed American, 0.0019%; no homozygotes.

Submission:

Ambry Genetics
Classification: Uncertain significance for Inborn genetic diseases. Last evaluated: 2026-03-26. Review status: criteria provided, single submitter. Criteria: Ambry Variant Classification Scheme 2023. Collection method: clinical testing. Allele origin: germline.
Comment: The c.2276A>G (p.Q759R) alteration is located in exon 27 (coding exon 27) of the TBCD gene. This alteration results from a A to G substitution at nucleotide position 2276, causing the glutamine (Q) at amino acid position 759 to be replaced by an arginine (R). Based on data from gnomAD, the G allele has an overall frequency of 0.001% (2/180418) total alleles studied. The highest observed frequency was 0.004% (1/23918) of South Asian alleles. Based on insufficient or conflicting evidence, the clinical significance of this alteration remains unclear.

NM_005993.5(TBCD):c.2276A>G (p.Gln759Arg)

Gene: TBCD (tubulin folding cofactor D). Cytogenetic location: 17q25.3.
Variant type: single nucleotide variant.
Coding change: c.2276A>G on transcript NM_005993.5 (MANE Select); coding-DNA position 2276, A replaced by G.
Protein change: p.Gln759Arg; replaces glutamine 759 with arginine.
Molecular consequence: missense variant.
Genome position (GRCh38, 1-based): chr17:82,924,954, A>G. VCF-style: chr17-82924954-A-G. GRCh37 (hg19) VCF-style: chr17-80882830-A-G.
Other names: c.2225A>G, p.Gln742Arg (NM_001411101.1); c.2195A>G, p.Gln732Arg (NM_001411102.1); c.1919A>G, p.Gln640Arg (NM_001437989.1); c.2087A>G, p.Gln696Arg (NM_001438250.1); short protein forms Q640R, Q696R, Q732R, Q742R, Q759R.
Identifiers: ClinVar variation 4865323 (VCV004865323.1).
Genomic context (GRCh38, chr17:82,924,954, plus strand): 5'-ATGGGCAGCAGAGGGCCTCTCTTCACACTCGTTGCTTCCTTTCAGAGGAGCTGATCACGC[A>G]GTACCTGGCTGAGCTTCGGAACCCCGAGGAGATGACTCGCTGTGGCTTCTCGTTGGCCTT-3'
Protein context (NP_005984.3, residues 749-769): DPAIQEELIT[Gln759Arg]YLAELRNPEE